The following is an entry in ClinVar:

NM_001283009.2(RTEL1):c.1744A>T (p.Met582Leu)

Genes: RTEL1 (regulator of telomere elongation helicase 1; plus strand), RTEL1-TNFRSF6B (RTEL1-TNFRSF6B readthrough (NMD candidate); plus strand). Cytogenetic location: 20q13.33.
Variant type: single nucleotide variant.
Coding change: c.1744A>T on transcript NM_001283009.2 (MANE Select); coding-DNA position 1744, A replaced by T.
Protein change: p.Met582Leu; replaces methionine 582 with leucine.
Molecular consequence: missense variant. On other transcripts: non-coding transcript variant (1).
Genome position (GRCh38, 1-based): chr20:63,688,549, A>T. VCF-style: chr20-63688549-A-T. GRCh37 (hg19) VCF-style: chr20-62319902-A-T.
Other names: c.1075A>T, p.Met359Leu (NM_001283010.1); c.1744A>T, p.Met582Leu (NM_016434.4); c.1816A>T, p.Met606Leu (NM_032957.5); short protein forms M582L, M359L, M606L.
Identifiers: ClinVar variation 2931882 (VCV002931882.4), dbSNP rs745349945, ClinGen allele CA317511462.
Genomic context (GRCh38, chr20:63,688,549, plus strand): 5'-TGACCAGGGCTGCCGTGTCCCTGCCTCTTCCTCCCACAGGCCCGCGACTTGGCCAGGAAG[A>T]TGGAGGCGCTGAAGCCGCTGTTTGTGGAGCCCAGGAGCAAAGGCAGCTTCTCCGAGGTCG-3'
Protein context (NP_001269938.1, residues 572-592): FWRARDLARK[Met582Leu]EALKPLFVEP

ClinVar aggregate classification (germline): Conflicting classifications of pathogenicity. Review status: criteria provided, conflicting classifications (1 of 4 stars). 2 submissions from 2 submitters: Uncertain significance (1); Likely benign (1). Last evaluated 2024-12-28.

Conditions:
Dyskeratosis congenita, autosomal recessive 5 (DKCB5). Identifiers: MedGen C3554656, MONDO:0014076, OMIM 615190.
Pulmonary fibrosis and/or bone marrow failure, Telomere-related, 3. Also called: PULMONARY FIBROSIS AND/OR BONE MARROW FAILURE SYNDROME, TELOMERE-RELATED, 3. Identifiers: Orphanet 2032, MedGen C4225346, MONDO:0014613, OMIM 616373.
Inborn genetic diseases. Identifiers: MedGen C0950123, MeSH D030342.

Submissions (2):

Ambry Genetics
Classification: Likely benign for Inborn genetic diseases. Last evaluated: 2024-12-28. Review status: criteria provided, single submitter. Criteria: Ambry Variant Classification Scheme 2023. Collection method: clinical testing. Allele origin: germline.

Labcorp Genetics (formerly Invitae), Labcorp
Classification: Uncertain significance for Dyskeratosis congenita, autosomal recessive 5; Pulmonary fibrosis and/or bone marrow failure, Telomere-related, 3. Last evaluated: 2024-01-06. Review status: criteria provided, single submitter. Criteria: Invitae Variant Classification Sherloc (09022015). Collection method: clinical testing. Allele origin: germline.
Comment: This sequence change replaces methionine, which is neutral and non-polar, with leucine, which is neutral and non-polar, at codon 582 of the RTEL1 protein (p.Met582Leu). This variant is not present in population databases (gnomAD no frequency). This variant has not been reported in the literature in individuals affected with RTEL1-related conditions. Algorithms developed to predict the effect of missense changes on protein structure and function output the following: SIFT: "Not Available"; PolyPhen-2: "Benign"; Align-GVGD: "Not Available". The leucine amino acid residue is found in multiple mammalian species, which suggests that this missense change does not adversely affect protein function. In summary, the available evidence is currently insufficient to determine the role of this variant in disease. Therefore, it has been classified as a Variant of Uncertain Significance.